The following is an entry in ClinVar:

ClinVar aggregate classification (germline): Conflicting classifications of pathogenicity. Review status: criteria provided, conflicting classifications (1 of 4 stars). 4 submissions from 4 submitters: Uncertain significance (1); Likely benign (2). 1 of the submissions does not count toward it. Last evaluated 2026-01-06.

Conditions:
COL2A1-related disorder. Also called: COL2A1-related condition; COL2A1-related disorders.

Allele frequency attached by ClinVar (database versions not stated): gnomAD exomes 0.00004 and 0.00010; ExAC 0.00015; gnomAD 0.00055 and 0.00061; ESP Exome Variant Server 0.00062; TOPMed 0.00064.
gnomAD v4.1: 150 of 1,613,960 alleles (0.0093%); highest among the groups gnomAD compares: African/African-American, 0.16%; no homozygotes.

Submissions (4):

Labcorp Genetics (formerly Invitae), Labcorp
Classification: Likely benign. Last evaluated: 2026-01-06. Review status: criteria provided, single submitter. Criteria: Invitae Variant Classification Sherloc (09022015). Collection method: clinical testing. Allele origin: germline.

GeneDx
Classification: Uncertain significance. Last evaluated: 2025-09-26. Review status: criteria provided, single submitter. Criteria: GeneDx Variant Classification Process June 2021. Collection method: clinical testing. Allele origin: germline. Affected: yes.
Comment: In silico analysis supports that this missense variant has a deleterious effect on protein structure/function; Not located in the triple helical region, where the majority of pathogenic missense variants occur (HGMD); This variant is associated with the following publications: (PMID: 28346524, 26626311)

Blueprint Genetics
Classification: Likely benign. Last evaluated: 2024-07-04. Review status: criteria provided, single submitter. Criteria: ACMG Guidelines, 2015. Collection method: clinical testing. Allele origin: germline.

PreventionGenetics, part of Exact Sciences
Classification: Likely benign for COL2A1-related condition. Last evaluated: 2024-06-24. Review status: no assertion criteria provided. Collection method: clinical testing. Allele origin: germline. Not counted in ClinVar's aggregate classification.
Comment: This variant is classified as likely benign based on ACMG/AMP sequence variant interpretation guidelines (Richards et al. 2015 PMID: 25741868, with internal and published modifications).

NM_001844.5(COL2A1):c.398C>A (p.Pro133His)

Gene: COL2A1 (collagen type II alpha 1 chain; minus strand). Cytogenetic location: 12q13.11.
Variant type: single nucleotide variant.
Coding change: c.398C>A on transcript NM_001844.5 (MANE Select); coding-DNA position 398, C replaced by A.
Protein change: p.Pro133His; replaces proline 133 with histidine.
Molecular consequence: missense variant.
Genome position (GRCh38, 1-based): chr12:47,997,902, G>T on the plus strand (C>A on the coding strand, the complement: COL2A1 is on the minus strand). VCF-style: chr12-47997902-G-T. GRCh37 (hg19) VCF-style: chr12-48391685-G-T.
Other names: c.191C>A, p.Pro64His (NM_033150.3); short protein forms P133H, P64H.
Identifiers: ClinVar variation 1083185 (VCV001083185.18), dbSNP rs201234519, ClinGen allele CA6535951.